The following is an entry in ClinVar:

ClinVar aggregate classification (germline): Uncertain significance (1 of 4 stars; one submission).

Allele frequency attached by ClinVar (database versions not stated): TOPMed 0.00001.

Submission:

GeneDx
Classification: Uncertain significance. Last evaluated: 2018-07-23. Review status: criteria provided, single submitter. Criteria: GeneDx Variant Classification (06012015). Collection method: clinical testing. Allele origin: germline. Affected: yes.
Comment: The A816T variant has not been published as a pathogenic variant, nor has it been reported as a benign variant to our knowledge. The A816T variant is not observed in large population cohorts (Lek et al., 2016). The A816T variant is a non-conservative amino acid substitution, which is likely to impact secondary protein structure as these residues differ in polarity, charge, size and/or other properties. This substitution is predicted to be within the C-terminal cytoplasmic domain. However, in-silico analyses, including protein predictors and evolutionary conservation, support that this variant does not alter protein structure/function. Therefore, based on the currently available information, it is unclear whether this variant is a pathogenic variant or a rare benign variant.

NM_172107.4(KCNQ2):c.2446G>A (p.Ala816Thr)

Gene: KCNQ2 (potassium voltage-gated channel subfamily Q member 2; minus strand). Cytogenetic location: 20q13.33.
Variant type: single nucleotide variant.
Coding change: c.2446G>A on transcript NM_172107.4 (MANE Select); coding-DNA position 2446, G replaced by A.
Protein change: p.Ala816Thr; replaces alanine 816 with threonine.
Molecular consequence: missense variant.
Genome position (GRCh38, 1-based): chr20:63,406,817, C>T on the plus strand (G>A on the coding strand, the complement: KCNQ2 is on the minus strand). VCF-style: chr20-63406817-C-T. GRCh37 (hg19) VCF-style: chr20-62038170-C-T.
Other names: p.A816T:GCT>ACT; c.2362G>A, p.Ala788Thr (NM_004518.6); c.2392G>A, p.Ala798Thr (NM_172106.3); c.2353G>A, p.Ala785Thr (NM_172108.5); short protein forms A816T, A798T, A788T, A785T.
Identifiers: ClinVar variation 205933 (VCV000205933.2), dbSNP rs796052660, ClinGen allele CA315528.